The following is an entry in ClinVar:

ClinVar aggregate classification (germline): Uncertain significance. Review status: criteria provided, multiple submitters, no conflicts (2 of 4 stars). 4 submissions from 4 submitters: Uncertain significance (4). Last evaluated 2026-08-20.

Conditions:
Neurofibromatosis, type 1 (NF1). Also called: Peripheral type neurofibromatosis; NEUROFIBROMATOSIS, TYPE I, SOMATIC; Neurofibromatosis, type I; VON RECKLINGHAUSEN DISEASE. Identifiers: Orphanet 636, MedGen C0027831, MONDO:0018975, OMIM 162200. Disease mechanism: loss of function.
NF1-related disorder. Also called: NF1-related condition. Identifiers: MedGen CN379171.
Cardiovascular phenotype. Identifiers: MedGen CN230736.
Hereditary cancer-predisposing syndrome. Also called: Tumor predisposition; Hereditary neoplastic syndrome; Neoplastic Syndromes, Hereditary; Hereditary Cancer Syndrome. Identifiers: Orphanet 140162, MedGen C0027672, MeSH D009386, MONDO:0015356.

Submissions (4):

GeneDx
Classification: Uncertain significance. Last evaluated: 2026-08-20. Review status: criteria provided, single submitter. Criteria: GeneDx Variant Classification Process June 2021. Collection method: clinical testing. Allele origin: germline.
Comment: Not observed at significant frequency in large population cohorts (gnomAD); In silico analysis suggests that this missense variant does not alter protein structure/function; Has not been previously published as pathogenic or benign to our knowledge

PreventionGenetics, part of Exact Sciences
Classification: Uncertain significance for NF1-related condition. Last evaluated: 2026-04-19. Review status: criteria provided, single submitter. Criteria: ACMG Guidelines, 2015. Collection method: clinical testing. Allele origin: germline.
Comment: The NF1 c.5548G>A variant is predicted to result in the amino acid substitution p.Val1850Ile. To our knowledge, this variant has not been reported in the literature or in a large population database (gnomAD), indicating this variant is rare. At this time, the clinical significance of this variant is uncertain due to the absence of conclusive functional and genetic evidence.

Ambry Genetics
Classification: Uncertain significance for Cardiovascular phenotype; Hereditary cancer-predisposing syndrome. Last evaluated: 2024-12-17. Review status: criteria provided, single submitter. Criteria: Ambry Variant Classification Scheme 2023. Collection method: clinical testing. Allele origin: germline.
Comment: The p.V1829I variant (also known as c.5485G>A), located in coding exon 37 of the NF1 gene, results from a G to A substitution at nucleotide position 5485. The valine at codon 1829 is replaced by isoleucine, an amino acid with highly similar properties. This amino acid position is highly conserved in available vertebrate species. In addition, this alteration is predicted to be tolerated by in silico analysis. Based on the available evidence, the clinical significance of this variant remains unclear.

Labcorp Genetics (formerly Invitae), Labcorp
Classification: Uncertain significance for Neurofibromatosis, type 1. Last evaluated: 2020-12-01. Review status: criteria provided, single submitter. Criteria: Invitae Variant Classification Sherloc (09022015). Collection method: clinical testing. Allele origin: germline.
Comment: In summary, the available evidence is currently insufficient to determine the role of this variant in disease. Therefore, it has been classified as a Variant of Uncertain Significance. Algorithms developed to predict the effect of missense changes on protein structure and function are either unavailable or do not agree on the potential impact of this missense change (SIFT: "Deleterious"; PolyPhen-2: "Probably Damaging"; Align-GVGD: "Class C0"). This variant has not been reported in the literature in individuals with NF1-related conditions. This variant is not present in population databases (ExAC no frequency). This sequence change replaces valine with isoleucine at codon 1829 of the NF1 protein (p.Val1829Ile). The valine residue is moderately conserved and there is a small physicochemical difference between valine and isoleucine.

NM_001042492.3(NF1):c.5548G>A (p.Val1850Ile)

Gene: NF1 (neurofibromin 1; plus strand). Cytogenetic location: 17q11.2.
Variant type: single nucleotide variant.
Coding change: c.5548G>A on transcript NM_001042492.3 (MANE Select); coding-DNA position 5548, G replaced by A.
Protein change: p.Val1850Ile; replaces valine 1850 with isoleucine.
Molecular consequence: missense variant.
Genome position (GRCh38, 1-based): chr17:31,327,778, G>A. VCF-style: chr17-31327778-G-A. GRCh37 (hg19) VCF-style: chr17-29654796-G-A.
Other names: c.5485G>A, p.Val1829Ile (NM_000267.4); short protein forms V1850I, V1829I.
Identifiers: ClinVar variation 1045995 (VCV001045995.11), dbSNP rs1597832397, ClinGen allele CA399009845.
Genomic context (GRCh38, chr17:31,327,778, plus strand): 5'-CGCTGGGAACTGTCACAGCCCGACTCTATCCCCCAACACACCAAGATTCGGCCAAAAGAT[G>A]TCCCTGGGACACTGCTCAATATCGCATTACTTAATTTAGGCAGTTCTGACCCGAGTTTAC-3'
Protein context (NP_001035957.1, residues 1840-1860): PQHTKIRPKD[Val1850Ile]PGTLLNIALL